The following is an entry in ClinVar:

NM_002941.4(ROBO1):c.2615-10G>A

Gene: ROBO1 (roundabout guidance receptor 1; minus strand). Cytogenetic location: 3p12.3.
Variant type: single nucleotide variant.
Coding change: c.2615-10G>A on transcript NM_002941.4 (MANE Select); 10 bases into the intron before coding-DNA position 2615, G replaced by A.
Molecular consequence: intron variant.
Genome position (GRCh38, 1-based): chr3:78,651,939, C>T on the plus strand (G>A on the coding strand, the complement: ROBO1 is on the minus strand). VCF-style: chr3-78651939-C-T. GRCh37 (hg19) VCF-style: chr3-78701089-C-T.
Other names: c.2507-10G>A (NM_001145845.2, NM_133631.4).
Identifiers: ClinVar variation 725052 (VCV000725052.10), dbSNP rs376272469, ClinGen allele CA2498618.

ClinVar aggregate classification (germline): Benign. Review status: criteria provided, single submitter (1 of 4 stars). 2 submissions from 2 submitters: Benign (1). 1 of the submissions does not count toward it. Last evaluated 2025-08-25.

Conditions:
ROBO1-related disorder. Also called: ROBO1-related condition.

Allele frequency attached by ClinVar (database versions not stated): ESP Exome Variant Server 0.00024; gnomAD 0.00027 and 0.00039; gnomAD exomes 0.00032 and 0.00055; TOPMed 0.00046; ExAC 0.00060; 1000 Genomes Project 0.00080; 1000 Genomes Project 30x 0.00125.
gnomAD v4.1: 542 of 1,609,234 alleles (0.034%); highest among the groups gnomAD compares: South Asian, 0.24%; 2 homozygotes.

Submissions (2):

Labcorp Genetics (formerly Invitae), Labcorp
Classification: Benign. Last evaluated: 2025-08-25. Review status: criteria provided, single submitter. Criteria: Invitae Variant Classification Sherloc (09022015). Collection method: clinical testing. Allele origin: germline.

PreventionGenetics, part of Exact Sciences
Classification: Likely benign for ROBO1-related condition. Last evaluated: 2019-04-25. Review status: no assertion criteria provided. Collection method: clinical testing. Allele origin: germline. Not counted in ClinVar's aggregate classification.
Comment: This variant is classified as likely benign based on ACMG/AMP sequence variant interpretation guidelines (Richards et al. 2015 PMID: 25741868, with internal and published modifications).